The following is an entry in ClinVar:

NM_172107.4(KCNQ2):c.877C>T (p.Leu293Phe)

Gene: KCNQ2 (potassium voltage-gated channel subfamily Q member 2; minus strand). Cytogenetic location: 20q13.33.
Variant type: single nucleotide variant.
Coding change: c.877C>T on transcript NM_172107.4 (MANE Select); coding-DNA position 877, C replaced by T.
Protein change: p.Leu293Phe; replaces leucine 293 with phenylalanine.
Molecular consequence: missense variant.
Genome position (GRCh38, 1-based): chr20:63,439,648, G>A on the plus strand (C>T on the coding strand, the complement: KCNQ2 is on the minus strand). VCF-style: chr20-63439648-G-A. GRCh37 (hg19) VCF-style: chr20-62071001-G-A.
Other names: c.877C>T, p.Leu293Phe (NM_001382235.1, NM_004518.6, NM_172106.3 and 2 more transcripts); short protein forms L293F.
Identifiers: ClinVar variation 948377 (VCV000948377.12), dbSNP rs2081099943, ClinGen allele CA409652590.

ClinVar aggregate classification (germline): Uncertain significance (1 of 4 stars; one submission).

Conditions:
Early-infantile DEE. Also called: Early infantile epileptic encephalopathy; Ohtahara syndrome; Early infantile epileptic encephalopathy with suppression bursts. Identifiers: Orphanet 1934, MedGen C0393706, MONDO:0800491.

Submissions (2):

Labcorp Genetics (formerly Invitae), Labcorp
Classification: Uncertain significance for Early-infantile DEE. Last evaluated: 2025-06-09. Review status: criteria provided, single submitter. Criteria: Invitae Variant Classification Sherloc (09022015). Collection method: clinical testing. Allele origin: germline.
Comment: This sequence change replaces leucine, which is neutral and non-polar, with phenylalanine, which is neutral and non-polar, at codon 293 of the KCNQ2 protein (p.Leu293Phe). This variant is not present in population databases (gnomAD no frequency). This missense change has been observed in individual(s) with epilepsy and/or neurodevelopmental disease (PMID: 29655203). ClinVar contains an entry for this variant (Variation ID: 948377). Invitae Evidence Modeling of protein sequence and biophysical properties (such as structural, functional, and spatial information, amino acid conservation, physicochemical variation, residue mobility, and thermodynamic stability) indicates that this missense variant is expected to disrupt KCNQ2 protein function with a positive predictive value of 95%. In summary, the available evidence is currently insufficient to determine the role of this variant in disease. Therefore, it has been classified as a Variant of Uncertain Significance.

Channelopathy-Associated Epilepsy Research Center
No classification provided (evidence only). Condition: Complex neurodevelopmental disorder. Review status: no classification provided. Collection method: literature only. Allele origin: not applicable. Functional consequence: Severe decrease in peak current, Normal rate of activation, Normal voltage dependence of activation. Not counted in ClinVar's aggregate classification.
ClinVar note: "not provided" was previously submitted as the classification for the variant. However, the classification appeared to be based only on an observation of functional data so it was converted to no classification on 2025-07-30.

Literature cited by the submitters: PubMed 29655203 (cited by Labcorp Genetics (formerly Invitae), Labcorp); PubMed 35104249 (cited by Channelopathy-Associated Epilepsy Research Center).